The following is an entry in ClinVar:

NM_004484.4(GPC3):c.413C>T (p.Thr138Ile)

Gene: GPC3 (glypican 3; minus strand). Cytogenetic location: Xq26.2.
Variant type: single nucleotide variant.
Coding change: c.413C>T on transcript NM_004484.4 (MANE Select); coding-DNA position 413, C replaced by T.
Protein change: p.Thr138Ile; replaces threonine 138 with isoleucine.
Molecular consequence: missense variant.
Genome position (GRCh38, 1-based): chrX:133,754,101, G>A on the plus strand (C>T on the coding strand, the complement: GPC3 is on the minus strand). VCF-style: chrX-133754101-G-A. GRCh37 (hg19) VCF-style: chrX-132888128-G-A.
Other names: c.413C>T, p.Thr138Ile (NM_001164617.2); c.365C>T, p.Thr122Ile (NM_001164618.2); c.251C>T, p.Thr84Ile (NM_001164619.2); short protein forms T122I, T138I, T84I.
Identifiers: ClinVar variation 2823255 (VCV002823255.3), dbSNP rs2521358443, ClinGen allele CA414706689.

ClinVar aggregate classification (germline): Uncertain significance (1 of 4 stars; one submission).

Conditions:
Wilms tumor 1 (WT1). Also called: Wilms tumor, somatic. Identifiers: Orphanet 654, MedGen CN033288, MONDO:0008679, OMIM 194070.

Submission:

Labcorp Genetics (formerly Invitae), Labcorp
Classification: Uncertain significance for Wilms tumor 1. Last evaluated: 2024-03-06. Review status: criteria provided, single submitter. Criteria: Invitae Variant Classification Sherloc (09022015). Collection method: clinical testing. Allele origin: germline.
Comment: This sequence change replaces threonine, which is neutral and polar, with isoleucine, which is neutral and non-polar, at codon 138 of the GPC3 protein (p.Thr138Ile). This variant is not present in population databases (gnomAD no frequency). This variant has not been reported in the literature in individuals affected with GPC3-related conditions. Advanced modeling of protein sequence and biophysical properties (such as structural, functional, and spatial information, amino acid conservation, physicochemical variation, residue mobility, and thermodynamic stability) performed at Invitae indicates that this missense variant is not expected to disrupt GPC3 protein function with a negative predictive value of 80%. In summary, the available evidence is currently insufficient to determine the role of this variant in disease. Therefore, it has been classified as a Variant of Uncertain Significance.